The following is an entry in ClinVar:

NM_172362.3(KCNH1):c.2620C>A (p.Leu874Met)

Gene: KCNH1 (potassium voltage-gated channel subfamily H member 1; minus strand). Cytogenetic location: 1q32.2.
Variant type: single nucleotide variant.
Coding change: c.2620C>A on transcript NM_172362.3 (MANE Select); coding-DNA position 2620, C replaced by A.
Protein change: p.Leu874Met; replaces leucine 874 with methionine.
Molecular consequence: missense variant.
Genome position (GRCh38, 1-based): chr1:210,683,631, G>T on the plus strand (C>A on the coding strand, the complement: KCNH1 is on the minus strand). VCF-style: chr1-210683631-G-T. GRCh37 (hg19) VCF-style: chr1-210856973-G-T.
Other names: c.2620C>A (NM_172362.2); c.2539C>A, p.Leu847Met (NM_002238.4); short protein forms L874M, L847M.
Identifiers: ClinVar variation 2991372 (VCV002991372.4), dbSNP rs762954106, ClinGen allele CA344870791.
Genomic context (GRCh38, chr1:210,683,631, plus strand): 5'-CGTTGTCCAGGCGCAAGTCGCTCTTGGTGATGCCACTGTCACACGAGTCTGTCTTCTTCA[G>T]TGTGGCCTCGCCTGACGCTTTTGTCCTCTCGGGAAGTGTCTCCATCGACTCAGCCTTGGA-3'
Protein context (NP_758872.1, residues 864-884): ERTKASGEAT[Leu874Met]KKTDSCDSGI

ClinVar aggregate classification (germline): Uncertain significance. Review status: criteria provided, multiple submitters, no conflicts (2 of 4 stars). 2 submissions from 2 submitters: Uncertain significance (2). Last evaluated 2025-11-20.

Conditions:
Inborn genetic diseases. Identifiers: MedGen C0950123, MeSH D030342.

gnomAD v4.1: 1 of 1,614,098 alleles (0.000062%); highest among the groups gnomAD compares: Non-Finnish European, 0.000085%; no homozygotes.

Submissions (2):

Ambry Genetics
Classification: Uncertain significance for Inborn genetic diseases. Last evaluated: 2025-11-20. Review status: criteria provided, single submitter. Criteria: Ambry Variant Classification Scheme 2023. Collection method: clinical testing. Allele origin: germline.

Labcorp Genetics (formerly Invitae), Labcorp
Classification: Uncertain significance. Last evaluated: 2022-11-17. Review status: criteria provided, single submitter. Criteria: Invitae Variant Classification Sherloc (09022015). Collection method: clinical testing. Allele origin: germline.
Comment: This sequence change replaces leucine, which is neutral and non-polar, with methionine, which is neutral and non-polar, at codon 874 of the KCNH1 protein (p.Leu874Met). This variant is not present in population databases (gnomAD no frequency). This variant has not been reported in the literature in individuals affected with KCNH1-related conditions. Advanced modeling of protein sequence and biophysical properties (such as structural, functional, and spatial information, amino acid conservation, physicochemical variation, residue mobility, and thermodynamic stability) performed at Invitae indicates that this missense variant is not expected to disrupt KCNH1 protein function. In summary, the available evidence is currently insufficient to determine the role of this variant in disease. Therefore, it has been classified as a Variant of Uncertain Significance.